The following is an entry in ClinVar:

NM_003631.5(PARG):c.2881G>A (p.Glu961Lys)

Gene: PARG (poly(ADP-ribose) glycohydrolase; minus strand). Cytogenetic location: 10q11.23.
Variant type: single nucleotide variant.
Coding change: c.2881G>A on transcript NM_003631.5 (MANE Select); coding-DNA position 2881, G replaced by A.
Protein change: p.Glu961Lys; replaces glutamic acid 961 with lysine.
Molecular consequence: missense variant. On other transcripts: non-coding transcript variant (7).
Genome position (GRCh38, 1-based): chr10:49,819,390, C>T on the plus strand (G>A on the coding strand, the complement: PARG is on the minus strand). VCF-style: chr10-49819390-C-T. GRCh37 (hg19) VCF-style: chr10-51027436-C-T.
Other names: c.2635G>A, p.Glu879Lys (NM_001303486.3, NM_001324381.3); c.2557G>A, p.Glu853Lys (NM_001303487.3); c.1639G>A, p.Glu547Lys (NM_001303489.3); short protein forms E879K, E853K, E961K, E547K.
Identifiers: ClinVar variation 3927940 (VCV003927940.1).

ClinVar aggregate classification (germline): Uncertain significance (1 of 4 stars; one submission).

gnomAD v4.1: 17 of 1,551,358 alleles (0.0011%); highest among the groups gnomAD compares: Non-Finnish European, 0.0015%; no homozygotes.

Submission:

Ambry Genetics
Classification: Uncertain significance. Last evaluated: 2025-06-06. Review status: criteria provided, single submitter. Criteria: Ambry Variant Classification Scheme 2023. Collection method: clinical testing. Allele origin: germline.
Comment: The c.2881G>A (p.E961K) alteration is located in exon (coding exon ) of the PARG gene. This alteration results from a G to A substitution at nucleotide position 2881, causing the glutamic acid (E) at amino acid position 961 to be replaced by a lysine (K). Based on insufficient or conflicting evidence, the clinical significance of this alteration remains unclear.